The following is an entry in ClinVar:

NM_005045.4(RELN):c.4269T>G (p.Ile1423Met)

Gene: RELN (reelin; minus strand). Cytogenetic location: 7q22.1.
Variant type: single nucleotide variant.
Coding change: c.4269T>G on transcript NM_005045.4 (MANE Select); coding-DNA position 4269, T replaced by G.
Protein change: p.Ile1423Met; replaces isoleucine 1423 with methionine.
Molecular consequence: missense variant.
Genome position (GRCh38, 1-based): chr7:103,575,582, A>C on the plus strand (T>G on the coding strand, the complement: RELN is on the minus strand). VCF-style: chr7-103575582-A-C. GRCh37 (hg19) VCF-style: chr7-103216029-A-C.
Other names: c.4269T>G, p.Ile1423Met (NM_173054.3); short protein forms I1423M.
Identifiers: ClinVar variation 1021282 (VCV001021282.8), dbSNP rs1830979263, ClinGen allele CA368752129.

ClinVar aggregate classification (germline): Uncertain significance (1 of 4 stars; one submission).

Conditions:
Norman-Roberts syndrome (LIS2). Also called: Lissencephaly 2 (Norman-Roberts type). Identifiers: Orphanet 89844, MedGen C0796089, MONDO:0009760, OMIM 257320.
Familial temporal lobe epilepsy 7. Identifiers: Orphanet 101046, MedGen C4225327, MONDO:0014639, OMIM 616436.

Allele frequency attached by ClinVar (database versions not stated): gnomAD exomes 0.00001.
gnomAD v4.1: 8 of 1,614,146 alleles (0.0005%); highest among the groups gnomAD compares: Non-Finnish European, 0.00068%; no homozygotes.

Submission:

Labcorp Genetics (formerly Invitae), Labcorp
Classification: Uncertain significance for Familial temporal lobe epilepsy 7; Norman-Roberts syndrome. Last evaluated: 2024-06-18. Review status: criteria provided, single submitter. Criteria: Invitae Variant Classification Sherloc (09022015). Collection method: clinical testing. Allele origin: germline.
Comment: This sequence change replaces isoleucine, which is neutral and non-polar, with methionine, which is neutral and non-polar, at codon 1423 of the RELN protein (p.Ile1423Met). This variant is not present in population databases (gnomAD no frequency). This variant has not been reported in the literature in individuals affected with RELN-related conditions. ClinVar contains an entry for this variant (Variation ID: 1021282). Advanced modeling of protein sequence and biophysical properties (such as structural, functional, and spatial information, amino acid conservation, physicochemical variation, residue mobility, and thermodynamic stability) performed at Invitae indicates that this missense variant is not expected to disrupt RELN protein function with a negative predictive value of 80%. In summary, the available evidence is currently insufficient to determine the role of this variant in disease. Therefore, it has been classified as a Variant of Uncertain Significance.